The following is an entry in ClinVar:

NM_152443.3(RDH12):c.384A>G (p.Val128=)

Genes: GPHN (gephyrin; plus strand), RDH12 (retinol dehydrogenase 12; plus strand). Cytogenetic location: 14q24.1.
Variant type: single nucleotide variant.
Coding change: c.384A>G on transcript NM_152443.3 (MANE Select); coding-DNA position 384, A replaced by G.
Protein change: p.Val128=; no amino-acid change (valine 128 retained).
Molecular consequence: synonymous variant.
Genome position (GRCh38, 1-based): chr14:67,726,091, A>G. VCF-style: chr14-67726091-A-G. GRCh37 (hg19) VCF-style: chr14-68192808-A-G.
Identifiers: ClinVar variation 755837 (VCV000755837.12), dbSNP rs139881477, ClinGen allele CA7238694.

ClinVar aggregate classification (germline): Likely benign. Review status: criteria provided, multiple submitters, no conflicts (2 of 4 stars). 4 submissions from 4 submitters: Likely benign (3). 1 of the submissions does not count toward it. Last evaluated 2026-06-22.

Conditions:
Leber congenital amaurosis 13 (LCA13). Identifiers: MedGen C2675186, MONDO:0012990, OMIM 612712.
Leber congenital amaurosis (LCA). Also called: Leber's amaurosis. Identifiers: Orphanet 65, MedGen C0339527, MeSH D057130, MONDO:0018998.
RDH12-related disorder. Also called: RDH12-related disorders; RDH12-related condition.

Allele frequency attached by ClinVar (database versions not stated): gnomAD exomes 0.00002 and 0.00006; ExAC 0.00007; TOPMed 0.00010; gnomAD 0.00014 and 0.00015; 1000 Genomes Project 30x 0.00016; 1000 Genomes Project 0.00020; ESP Exome Variant Server 0.00023.
gnomAD v4.1: 43 of 1,614,114 alleles (0.0027%); highest among the groups gnomAD compares: African/African-American, 0.047%; 1 homozygote.

Submissions (4):

PreventionGenetics, part of Exact Sciences
Classification: Likely benign for RDH12-related condition. Last evaluated: 2026-06-22. Review status: criteria provided, single submitter. Criteria: ACMG Guidelines, 2015. Collection method: clinical testing. Allele origin: germline.
Comment: This variant is classified as likely benign based on ACMG/AMP sequence variant interpretation guidelines (Richards et al. 2015 PMID: 25741868, with internal and published modifications).

Labcorp Genetics (formerly Invitae), Labcorp
Classification: Likely benign for Leber congenital amaurosis 13. Last evaluated: 2025-11-01. Review status: criteria provided, single submitter. Criteria: Invitae Variant Classification Sherloc (09022015). Collection method: clinical testing. Allele origin: germline.

Blueprint Genetics
Classification: Likely benign. Last evaluated: 2019-10-15. Review status: criteria provided, single submitter. Criteria: ACMG Guidelines, 2015. Collection method: clinical testing. Allele origin: germline.

Natera, Inc.
Classification: Likely benign for Leber congenital amaurosis. Last evaluated: 2020-03-11. Review status: no assertion criteria provided. Collection method: clinical testing. Allele origin: germline. Not counted in ClinVar's aggregate classification.